The following is an entry in ClinVar:

ClinVar aggregate classification (germline): Conflicting classifications of pathogenicity. Review status: criteria provided, conflicting classifications (1 of 4 stars). 3 submissions from 3 submitters: Likely pathogenic (1); Uncertain significance (2). Last evaluated 2025-07-31.

Conditions:
Autosomal recessive congenital ichthyosis 1 (LI1). Also called: COLLODION FETUS; DESQUAMATION OF NEWBORN; ICHTHYOSIS, CONGENITAL, AUTOSOMAL RECESSIVE 1, WITH BATHING SUIT DISTRIBUTION; ICHTHYOSIS, CONGENITAL, AUTOSOMAL RECESSIVE 1, WITH OR WITHOUT BATHING SUIT DISTRIBUTION; ICHTHYOSIS CONGENITA; ICHTHYOSIS CONGENITA II. Identifiers: MedGen C4551630, MONDO:0009441, OMIM 242300.

Allele frequency attached by ClinVar (database versions not stated): gnomAD 0.00001; TOPMed 0.00001.
gnomAD v4.1: 11 of 1,614,012 alleles (0.00068%); highest among the groups gnomAD compares: South Asian, 0.0011%; no homozygotes.

Submissions (3):

Women's Health and Genetics/Laboratory Corporation of America, LabCorp
Classification: Uncertain significance. Last evaluated: 2025-07-31. Review status: criteria provided, single submitter. Criteria: LabCorp Variant Classification Summary - May 2015. Collection method: clinical testing. Allele origin: germline.
Comment: Variant summary: TGM1 c.1121A>G (p.Tyr374Cys) results in a non-conservative amino acid change in the encoded protein sequence. Algorithms developed to predict the effect of missense changes on protein structure and function all suggest that this variant is likely to be disruptive. The variant was absent in 251252 control chromosomes. c.1121A>G has been observed in compound heterozygous individuals affected with Lamellar Ichthyosis or bathing suit ichthyosis (Marukian_2017, Pigg_2016). These data indicate that the variant may be associated with disease. To our knowledge, no experimental evidence demonstrating an impact on protein function has been reported. The following publications have been ascertained in the context of this evaluation (PMID: 28403434, 27025581). ClinVar contains an entry for this variant (Variation ID: 1334159). Based on the evidence outlined above, the variant was classified as VUS-possibly pathogenic.

Labcorp Genetics (formerly Invitae), Labcorp
Classification: Likely pathogenic. Last evaluated: 2023-08-06. Review status: criteria provided, single submitter. Criteria: Invitae Variant Classification Sherloc (09022015). Collection method: clinical testing. Allele origin: germline.
Comment: Advanced modeling of protein sequence and biophysical properties (such as structural, functional, and spatial information, amino acid conservation, physicochemical variation, residue mobility, and thermodynamic stability) performed at Invitae indicates that this missense variant is expected to disrupt TGM1 protein function. ClinVar contains an entry for this variant (Variation ID: 1334159). This missense change has been observed in individuals with TGM1-related conditions (PMID: 27025581, 28403434). This variant is not present in population databases (gnomAD no frequency). This sequence change replaces tyrosine, which is neutral and polar, with cysteine, which is neutral and slightly polar, at codon 374 of the TGM1 protein (p.Tyr374Cys). In summary, the currently available evidence indicates that the variant is pathogenic, but additional data are needed to prove that conclusively. Therefore, this variant has been classified as Likely Pathogenic.

Myriad Genetics, Inc.
Classification: Uncertain significance for Autosomal recessive congenital ichthyosis 1. Last evaluated: 2021-11-16. Review status: criteria provided, single submitter. Criteria: Myriad Women's Health Autosomal Recessive and X-Linked Classification Criteria (2021). Collection method: clinical testing. Allele origin: unknown.
Comment: NM_000359.2(TGM1):c.1121A>G(Y374C) is a missense variant classified as a variant of uncertain significance in the context of TGM1-related autosomal recessive congenital ichthyosis. Y374C has been observed in cases with relevant disease (PMID: 27025581, 28403434, 28488422). Functional assessments of this variant are not available in the literature. Y374C has not been observed in population frequency databases. In summary, there is insufficient evidence to classify NM_000359.2(TGM1):c.1121A>G(Y374C) as pathogenic or benign. Please note: this variant was assessed in the context of healthy population screening.

Literature cited by the submitters: PubMed 27025581 (cited by 3 submitters); PubMed 28403434 (cited by 3 submitters); PubMed 28488422 (cited by Myriad Genetics, Inc.).

NM_000359.3(TGM1):c.1121A>G (p.Tyr374Cys)

Gene: TGM1 (transglutaminase 1; minus strand). Cytogenetic location: 14q12.
Variant type: single nucleotide variant.
Coding change: c.1121A>G on transcript NM_000359.3 (MANE Select); coding-DNA position 1121, A replaced by G.
Protein change: p.Tyr374Cys; replaces tyrosine 374 with cysteine.
Molecular consequence: missense variant.
Genome position (GRCh38, 1-based): chr14:24,259,113, T>C on the plus strand (A>G on the coding strand, the complement: TGM1 is on the minus strand). VCF-style: chr14-24259113-T-C. GRCh37 (hg19) VCF-style: chr14-24728319-T-C.
Other names: short protein forms Y374C.
Identifiers: ClinVar variation 1334159 (VCV001334159.13), dbSNP rs2040782954, ClinGen allele CA389263923.